The following is an entry in ClinVar:

ClinVar aggregate classification (germline): Likely pathogenic (1 of 4 stars; one submission).

Conditions:
Steel syndrome (STLS). Identifiers: Orphanet 438117, MedGen C3554594, MONDO:0014061, OMIM 615155.

Allele frequency attached by ClinVar (database versions not stated): gnomAD exomes below 0.00001.

Submission:

Diagnostics Services (NGS), CSIR - Centre For Cellular And Molecular Biology
Classification: Likely pathogenic for Steel syndrome. Last evaluated: 2022-06-16. Review status: criteria provided, single submitter. Criteria: ACMG Guidelines, 2015. Collection method: clinical testing. Allele origin: germline. Affected: yes. Observed: 1 variant allele, 1 homozygote.
Comment: The c.4854del variant is not present in publicly available population databases like 1000 Genomes, Exome Variant Server (EVS), Exome Aggregation Consortium (ExAC), Genome Aggregation Database (gnomAD) and Indian Exome Database. The variant is not present in our in-house exome database. The variant was not reported ClinVar, Human Genome Mutation Database (HGMD) and/or OMIM databases in any affected individuals. In-silico pathogenicity prediction programs like MutationTaster2, CADD, Varsome etc. predicted this variant to be likely deleterious. The variant causes frameshift at the 1620th amino acid position of the wild-type transcript which creates a translational premature stop signal at the 1749th amino acid position of the altered transcript that either may causes nonsense mediated decay of the mRNA or results in translating a truncated protein.

NM_032888.4(COL27A1):c.4854del (p.Gly1620fs)

Gene: COL27A1 (collagen type XXVII alpha 1 chain; plus strand). Cytogenetic location: 9q32.
Variant type: Deletion.
Coding change: c.4854del on transcript NM_032888.4 (MANE Select); coding-DNA position 4854, one base deleted (A; older notation c.4854delA).
Protein change: p.Gly1620fs; shifts the reading frame from glycine 1620.
Molecular consequence: frameshift variant.
Genome position (GRCh38, 1-based): chr9:114,302,090, A deleted. VCF-style (leftmost placement, unchanged base first): chr9-114302089-CA-C. GRCh37 (hg19) VCF-style: chr9-117064369-CA-C.
Other names: short protein forms G1620fs.
Identifiers: ClinVar variation 1802266 (VCV001802266.3), dbSNP rs2490365600, ClinGen allele CA2580079459.